The following is an entry in ClinVar:

ClinVar aggregate classification (germline): Likely benign (1 of 4 stars; one submission).

Allele frequency attached by ClinVar (database versions not stated): gnomAD 0.00958 and 0.01008; 1000 Genomes Project 0.01058; 1000 Genomes Project 30x 0.01093; TOPMed 0.01104.
gnomAD v4.1: 2,858 of 630,816 alleles (0.45%); highest among the groups gnomAD compares: African/African-American, 2.8%; 35 homozygotes.

Submission:

GeneDx
Classification: Likely benign. Last evaluated: 2018-06-14. Review status: criteria provided, single submitter. Criteria: GeneDx Variant Classification (06012015). Collection method: clinical testing. Allele origin: germline. Affected: yes.
Comment: This variant is considered likely benign or benign based on one or more of the following criteria: it is a conservative change, it occurs at a poorly conserved position in the protein, it is predicted to be benign by multiple in silico algorithms, and/or has population frequency not consistent with disease.

NM_002474.3(MYH11):c.3651+226C>T

Gene: MYH11 (myosin heavy chain 11; minus strand). Cytogenetic location: 16p13.11.
Variant type: single nucleotide variant.
Coding change: c.3651+226C>T on transcript NM_002474.3 (MANE Select); 226 bases into the intron after coding-DNA position 3651, C replaced by T.
Molecular consequence: intron variant.
Genome position (GRCh38, 1-based): chr16:15,732,338, G>A on the plus strand (C>T on the coding strand, the complement: MYH11 is on the minus strand). VCF-style: chr16-15732338-G-A. GRCh37 (hg19) VCF-style: chr16-15826195-G-A.
Other names: c.3651+226C>T (NM_022844.3); c.3672+226C>T (NM_001040114.2, NM_001040113.2).
Identifiers: ClinVar variation 679386 (VCV000679386.1), dbSNP rs138649508, ClinGen allele CA278618348.